The following is an entry in ClinVar:

ClinVar aggregate classification (germline): Uncertain significance. Review status: criteria provided, multiple submitters, no conflicts (2 of 4 stars). 2 submissions from 2 submitters: Uncertain significance (2). Last evaluated 2026-02-17.

Allele frequency attached by ClinVar (database versions not stated): gnomAD 0.00003; TOPMed 0.00003; gnomAD exomes 0.00004 and 0.00006; ExAC 0.00006.
gnomAD v4.1: 61 of 1,614,070 alleles (0.0038%); highest among the groups gnomAD compares: East Asian, 0.018%; no homozygotes.

Submissions (2):

Ambry Genetics
Classification: Uncertain significance. Last evaluated: 2026-02-17. Review status: criteria provided, single submitter. Criteria: Ambry Variant Classification Scheme 2023. Collection method: clinical testing. Allele origin: germline.
Comment: The c.3545C>T (p.P1182L) alteration is located in exon 19 (coding exon 18) of the PLEKHG2 gene. This alteration results from a C to T substitution at nucleotide position 3545, causing the proline (P) at amino acid position 1182 to be replaced by a leucine (L). Based on data from gnomAD, the T allele has an overall frequency of 0.005% (15/282858) total alleles studied. The highest observed frequency was 0.014% (1/7224) of Other alleles. Based on insufficient or conflicting evidence, the clinical significance of this alteration remains unclear.

Labcorp Genetics (formerly Invitae), Labcorp
Classification: Uncertain significance. Last evaluated: 2025-09-02. Review status: criteria provided, single submitter. Criteria: Invitae Variant Classification Sherloc (09022015). Collection method: clinical testing. Allele origin: germline.
Comment: This sequence change replaces proline, which is neutral and non-polar, with leucine, which is neutral and non-polar, at codon 1182 of the PLEKHG2 protein (p.Pro1182Leu). This variant is present in population databases (rs765489871, gnomAD 0.009%). This variant has not been reported in the literature in individuals affected with PLEKHG2-related conditions. ClinVar contains an entry for this variant (Variation ID: 1364214). An algorithm developed to predict the effect of missense changes on protein structure and function outputs the following: PolyPhen-2: "Benign". The leucine amino acid residue is found in multiple mammalian species, which suggests that this missense change does not adversely affect protein function. In summary, the available evidence is currently insufficient to determine the role of this variant in disease. Therefore, it has been classified as a Variant of Uncertain Significance.

NM_022835.3(PLEKHG2):c.3545C>T (p.Pro1182Leu)

Gene: PLEKHG2 (pleckstrin homology and RhoGEF domain containing G2; plus strand). Cytogenetic location: 19q13.2.
Variant type: single nucleotide variant.
Coding change: c.3545C>T on transcript NM_022835.3 (MANE Select); coding-DNA position 3545, C replaced by T.
Protein change: p.Pro1182Leu; replaces proline 1182 with leucine.
Molecular consequence: missense variant. On other transcripts: intron variant (1).
Genome position (GRCh38, 1-based): chr19:39,424,678, C>T. VCF-style: chr19-39424678-C-T. GRCh37 (hg19) VCF-style: chr19-39915318-C-T.
Other names: c.3368C>T, p.Pro1123Leu (NM_001351693.2); c.1678-560C>T (NM_001351694.2); c.3545C>T (NM_022835.2); short protein forms P1182L, P1123L.
Identifiers: ClinVar variation 1364214 (VCV001364214.8), dbSNP rs765489871, ClinGen allele CA9430002.
Genomic context (GRCh38, chr19:39,424,678, plus strand): 5'-CTTCACCCAAGCAGGGAAGCCTCCCAGACATCCAGGGTCCAGCGGCTGCACCTCCACTTC[C>T]GGAGCCAAGCCTTACAGATACACAGGTCCAAAAACTCACACCTTCGTTGGAGCAGAAGAG-3'
Protein context (NP_073746.2, residues 1172-1192): IQGPAAAPPL[Pro1182Leu]EPSLTDTQVQ